The following is an entry in ClinVar:

NM_001160148.2(DDHD1):c.379C>G (p.Pro127Ala)

Gene: DDHD1 (DDHD domain containing 1; minus strand). Cytogenetic location: 14q22.1.
Variant type: single nucleotide variant.
Coding change: c.379C>G on transcript NM_001160148.2 (MANE Select); coding-DNA position 379, C replaced by G.
Protein change: p.Pro127Ala; replaces proline 127 with alanine.
Molecular consequence: missense variant.
Genome position (GRCh38, 1-based): chr14:53,152,720, G>C on the plus strand (C>G on the coding strand, the complement: DDHD1 is on the minus strand). VCF-style: chr14-53152720-G-C. GRCh37 (hg19) VCF-style: chr14-53619438-G-C.
Other names: c.379C>G, p.Pro127Ala (NM_001160147.2, NM_030637.3); short protein forms P127A.
Identifiers: ClinVar variation 2150152 (VCV002150152.4), dbSNP rs765734579, ClinGen allele CA7191508.

ClinVar aggregate classification (germline): Uncertain significance (1 of 4 stars; one submission).

Conditions:
Hereditary spastic paraplegia 28. Also called: Spastic paraplegia 28, autosomal recessive. Identifiers: Orphanet 101008, MedGen C1836295, MONDO:0012256, OMIM 609340.

Allele frequency attached by ClinVar (database versions not stated): gnomAD exomes below 0.00001; ExAC 0.00001; gnomAD 0.00001.
gnomAD v4.1: 6 of 1,605,252 alleles (0.00037%); highest among the groups gnomAD compares: Admixed American, 0.0084%; no homozygotes.

Submission:

Labcorp Genetics (formerly Invitae), Labcorp
Classification: Uncertain significance for Hereditary spastic paraplegia 28. Last evaluated: 2022-10-17. Review status: criteria provided, single submitter. Criteria: Invitae Variant Classification Sherloc (09022015). Collection method: clinical testing. Allele origin: germline.
Comment: In summary, the available evidence is currently insufficient to determine the role of this variant in disease. Therefore, it has been classified as a Variant of Uncertain Significance. Advanced modeling of protein sequence and biophysical properties (such as structural, functional, and spatial information, amino acid conservation, physicochemical variation, residue mobility, and thermodynamic stability) performed at Invitae indicates that this missense variant is not expected to disrupt DDHD1 protein function. This variant has not been reported in the literature in individuals affected with DDHD1-related conditions. This variant is present in population databases (rs765734579, gnomAD 0.02%). This sequence change replaces proline, which is neutral and non-polar, with alanine, which is neutral and non-polar, at codon 127 of the DDHD1 protein (p.Pro127Ala).